The following is an entry in ClinVar:

NM_000702.4(ATP1A2):c.248C>T (p.Thr83Ile)

Gene: ATP1A2 (ATPase Na+/K+ transporting subunit alpha 2; plus strand). Cytogenetic location: 1q23.2.
Variant type: single nucleotide variant.
Coding change: c.248C>T on transcript NM_000702.4 (MANE Select); coding-DNA position 248, C replaced by T.
Protein change: p.Thr83Ile; replaces threonine 83 with isoleucine.
Molecular consequence: missense variant.
Genome position (GRCh38, 1-based): chr1:160,123,283, C>T. VCF-style: chr1-160123283-C-T. GRCh37 (hg19) VCF-style: chr1-160093073-C-T.
Other names: c.248C>T (NM_000702.3); short protein forms T83I.
Identifiers: ClinVar variation 1056164 (VCV001056164.11), dbSNP rs763362150, ClinGen allele CA1194147.

ClinVar aggregate classification (germline): Uncertain significance. Review status: criteria provided, multiple submitters, no conflicts (2 of 4 stars). 3 submissions from 3 submitters: Uncertain significance (3). Last evaluated 2023-06-07.

Conditions:
Inborn genetic diseases. Identifiers: MedGen C0950123, MeSH D030342.
Familial hemiplegic migraine. Identifiers: MedGen C0338484, MONDO:0000700.

Allele frequency attached by ClinVar (database versions not stated): gnomAD exomes below 0.00001; ExAC 0.00001; gnomAD 0.00001; TOPMed 0.00002.
gnomAD v4.1: 1 of 1,614,132 alleles (0.000062%); highest among the groups gnomAD compares: African/African-American, 0.0013%; no homozygotes.

Submissions (3):

GeneDx
Classification: Uncertain significance. Last evaluated: 2023-06-07. Review status: criteria provided, single submitter. Criteria: GeneDx Variant Classification Process June 2021. Collection method: clinical testing. Allele origin: germline. Affected: yes.
Comment: In silico analysis supports that this missense variant has a deleterious effect on protein structure/function; Has not been previously published as pathogenic or benign to our knowledge

Ambry Genetics
Classification: Uncertain significance for Inborn genetic diseases. Last evaluated: 2021-09-17. Review status: criteria provided, single submitter. Criteria: Ambry Variant Classification Scheme 2023. Collection method: clinical testing. Allele origin: germline.

Labcorp Genetics (formerly Invitae), Labcorp
Classification: Uncertain significance for Familial hemiplegic migraine. Last evaluated: 2020-05-31. Review status: criteria provided, single submitter. Criteria: Invitae Variant Classification Sherloc (09022015). Collection method: clinical testing. Allele origin: germline.
Comment: This sequence change replaces threonine with isoleucine at codon 83 of the ATP1A2 protein (p.Thr83Ile). The threonine residue is highly conserved and there is a moderate physicochemical difference between threonine and isoleucine. This variant is present in population databases (rs763362150, ExAC 0.01%). This variant has not been reported in the literature in individuals with ATP1A2-related conditions. Algorithms developed to predict the effect of missense changes on protein structure and function are either unavailable or do not agree on the potential impact of this missense change (SIFT: "Deleterious"; PolyPhen-2: "Benign"; Align-GVGD: "Class C65"). In summary, the available evidence is currently insufficient to determine the role of this variant in disease. Therefore, it has been classified as a Variant of Uncertain Significance.